The following is an entry in ClinVar:

ClinVar aggregate classification (germline): Uncertain significance (1 of 4 stars; one submission).

Conditions:
X-linked lymphoproliferative disease due to XIAP deficiency. Also called: XIAP-Related Lymphoproliferative Disease, X-Linked; XIAP DEFICIENCY. Identifiers: Orphanet 2442, Orphanet 538934, MedGen C1845076, MONDO:0010385, OMIM 300635.

Submissions (3):

Labcorp Genetics (formerly Invitae), Labcorp
Classification: Uncertain significance for X-linked lymphoproliferative disease due to XIAP deficiency. Last evaluated: 2017-06-16. Review status: criteria provided, single submitter. Criteria: Invitae Variant Classification Sherloc (09022015). Collection method: clinical testing. Allele origin: germline.
Comment: This sequence change affects codon 57 of the XIAP mRNA. It is a 'silent' change, meaning that it does not change the encoded amino acid sequence of the XIAP protein. This variant is not present in population databases (ExAC no frequency). This variant has not been reported in the literature in individuals with a XIAP-related disease. Algorithms developed to predict the effect of sequence changes on RNA splicing suggest that this variant may create or strengthen a splice site, but this prediction has not been confirmed by published transcriptional studies. In summary, this variant has uncertain impact on XIAP function. The available evidence is currently insufficient to determine its role in disease. Therefore, it has been classified as a Variant of Uncertain Significance.

Dr. Peter K. Rogan Lab, Western University
No classification provided (evidence only). Condition: Thyroid cancer, nonmedullary, 1. Review status: no classification provided. Collection method: in vitro. Allele origin: not applicable. Functional consequence: skipped exon, retained intron. Not counted in ClinVar's aggregate classification.

Dr. Peter K. Rogan Lab, Western University
No classification provided (evidence only). Condition: Thyroid cancer, nonmedullary, 1. Review status: no classification provided. Collection method: in vitro. Allele origin: not applicable. Functional consequence: retained intron. Not counted in ClinVar's aggregate classification.

NM_001167.4(XIAP):c.171A>G (p.Glu57=)

Gene: XIAP (X-linked inhibitor of apoptosis; plus strand). Cytogenetic location: Xq25.
Variant type: single nucleotide variant.
Coding change: c.171A>G on transcript NM_001167.4 (MANE Select); coding-DNA position 171, A replaced by G.
Protein change: p.Glu57=; no amino-acid change (glutamic acid 57 retained).
Molecular consequence: synonymous variant.
Genome position (GRCh38, 1-based): chrX:123,885,833, A>G. VCF-style: chrX-123885833-A-G. GRCh37 (hg19) VCF-style: chrX-123019683-A-G.
Other names: NC_000023.10:g.123019683A>G; c.171A>G, p.Glu57= (NM_001204401.2, NM_001378590.1, NM_001378591.1 and 1 more transcripts).
Identifiers: ClinVar variation 465072 (VCV000465072.2), dbSNP rs1556404487, ClinGen allele CA518203304.
Genomic context (GRCh38, chrX:123,885,833, plus strand): 5'-AAGTGGTAGTCCTGTTTCAGCATCAACACTGGCACGAGCAGGGTTTCTTTATACTGGTGA[A>G]GGAGATACCGTGCGGTGCTTTAGTTGTCATGCAGCTGTAGATAGATGGCAATATGGAGAC-3'
Protein context (NP_001158.2, residues 47-67): LARAGFLYTG[Glu57=]GDTVRCFSCH